The following is an entry in ClinVar:

ClinVar aggregate classification (germline): Uncertain significance (1 of 4 stars; one submission).

Conditions:
Shprintzen-Goldberg syndrome (SGS). Also called: SHPRINTZEN-GOLDBERG CRANIOSYNOSTOSIS SYNDROME; CRANIOSYNOSTOSIS WITH ARACHNODACTYLY AND ABDOMINAL HERNIAS; Marfanoid disorder with craniosynostosis type 1; Marfanoid craniosynostosis syndrome; Shprintzen-Goldberg marfanoid syndrome. Identifiers: Orphanet 2462, MedGen C1321551, MONDO:0008426, OMIM 182212.

Allele frequency attached by ClinVar (database versions not stated): gnomAD 0.00001; TOPMed below 0.00001.
gnomAD v4.1: 8 of 1,593,704 alleles (0.0005%); highest among the groups gnomAD compares: South Asian, 0.0011%; no homozygotes.

Submission:

Labcorp Genetics (formerly Invitae), Labcorp
Classification: Uncertain significance for Shprintzen-Goldberg syndrome. Last evaluated: 2024-01-20. Review status: criteria provided, single submitter. Criteria: Invitae Variant Classification Sherloc (09022015). Collection method: clinical testing. Allele origin: germline.
Comment: This sequence change replaces arginine, which is basic and polar, with glutamine, which is neutral and polar, at codon 634 of the SKI protein (p.Arg634Gln). This variant is not present in population databases (gnomAD no frequency). This variant has not been reported in the literature in individuals affected with SKI-related conditions. Advanced modeling of protein sequence and biophysical properties (such as structural, functional, and spatial information, amino acid conservation, physicochemical variation, residue mobility, and thermodynamic stability) performed at Invitae indicates that this missense variant is not expected to disrupt SKI protein function with a negative predictive value of 95%. In summary, the available evidence is currently insufficient to determine the role of this variant in disease. Therefore, it has been classified as a Variant of Uncertain Significance.

NM_003036.4(SKI):c.1901G>A (p.Arg634Gln)

Gene: SKI (SKI proto-oncogene; plus strand). Cytogenetic location: 1p36.32.
Variant type: single nucleotide variant.
Coding change: c.1901G>A on transcript NM_003036.4 (MANE Select); coding-DNA position 1901, G replaced by A.
Protein change: p.Arg634Gln; replaces arginine 634 with glutamine.
Molecular consequence: missense variant.
Genome position (GRCh38, 1-based): chr1:2,306,153, G>A. VCF-style: chr1-2306153-G-A. GRCh37 (hg19) VCF-style: chr1-2237592-G-A.
Other names: short protein forms R634Q.
Identifiers: ClinVar variation 3015585 (VCV003015585.3), dbSNP rs1322220720, ClinGen allele CA337958994.